The following is an entry in ClinVar:

NM_000702.4(ATP1A2):c.3034+61G>A

Gene: ATP1A2 (ATPase Na+/K+ transporting subunit alpha 2; plus strand). Cytogenetic location: 1q23.2.
Variant type: single nucleotide variant.
Coding change: c.3034+61G>A on transcript NM_000702.4 (MANE Select); 61 bases into the intron after coding-DNA position 3034, G replaced by A.
Molecular consequence: intron variant.
Genome position (GRCh38, 1-based): chr1:160,140,045, G>A. VCF-style: chr1-160140045-G-A. GRCh37 (hg19) VCF-style: chr1-160109835-G-A.
Identifiers: ClinVar variation 1291207 (VCV001291207.6), dbSNP rs55884181, ClinGen allele CA10955756.

ClinVar aggregate classification (germline): Benign. Review status: criteria provided, multiple submitters, no conflicts (2 of 4 stars). 7 submissions from 4 submitters: Benign (7). Last evaluated 2024-07-15.

Conditions:
Developmental and epileptic encephalopathy 98. Identifiers: MedGen C5562017, MONDO:0030472, OMIM 619605.
Fetal akinesia, respiratory insufficiency, microcephaly, polymicrogyria, and dysmorphic facies. Identifiers: MedGen C5562015, MONDO:0859204, OMIM 619602.
Migraine, familial hemiplegic, 2. Identifiers: Orphanet 569, MedGen C1865322, MONDO:0011232, OMIM 602481.
Alternating hemiplegia of childhood 1 (AHC1). Identifiers: Orphanet 2131, MedGen C3549447, MONDO:0007087, OMIM 104290.

Allele frequency attached by ClinVar (database versions not stated): TOPMed 0.12220; 1000 Genomes Project 0.09585; 1000 Genomes Project 30x 0.10166.
gnomAD v4.1: 203,185 of 1,525,224 alleles (13%); highest among the groups gnomAD compares: Admixed American, 14%; 14,127 homozygotes.

Submissions (7):

Unidad de Genómica Garrahan, Hospital de Pediatría Garrahan
Classification: Benign. Last evaluated: 2024-07-15. Review status: criteria provided, single submitter. Criteria: ACMG Guidelines, 2015. Collection method: clinical testing. Allele origin: germline. Affected: no. Observed: 20 variant alleles.
Comment: This variant is classified as Benign based on local population frequency. This variant was detected in 22% of patients studied in a panel designed for Epileptic and Developmental Encephalopathy and Progressive Myoclonus Epilepsy. Number of patients: 20. Only high quality variants are reported.

Genome-Nilou Lab
Classification: Benign for Alternating hemiplegia of childhood 1. Last evaluated: 2021-12-05. Review status: criteria provided, single submitter. Criteria: ACMG Guidelines, 2015. Collection method: clinical testing. Allele origin: germline. Affected: no.

Genome-Nilou Lab
Classification: Benign for Developmental and epileptic encephalopathy 98. Last evaluated: 2021-12-05. Review status: criteria provided, single submitter. Criteria: ACMG Guidelines, 2015. Collection method: clinical testing. Allele origin: germline. Affected: no.

Genome-Nilou Lab
Classification: Benign for Fetal akinesia, respiratory insufficiency, microcephaly, polymicrogyria, and dysmorphic facies. Last evaluated: 2021-12-05. Review status: criteria provided, single submitter. Criteria: ACMG Guidelines, 2015. Collection method: clinical testing. Allele origin: germline. Affected: no.

Genome-Nilou Lab
Classification: Benign for Migraine, familial hemiplegic, 2. Last evaluated: 2021-12-05. Review status: criteria provided, single submitter. Criteria: ACMG Guidelines, 2015. Collection method: clinical testing. Allele origin: germline. Affected: no.

GeneDx
Classification: Benign. Last evaluated: 2018-06-26. Review status: criteria provided, single submitter. Criteria: GeneDx Variant Classification Process June 2021. Collection method: clinical testing. Allele origin: germline. Affected: yes.

Breakthrough Genomics
Classification: Benign. Review status: criteria provided, single submitter. Criteria: ACMG Guidelines, 2015. Collection method: not provided. Allele origin: germline. Inheritance: Autosomal recessive inheritance. Affected: yes.